The following is an entry in ClinVar:

ClinVar aggregate classification (germline): Uncertain significance (1 of 4 stars; one submission).

Conditions:
EGFR-related lung cancer (EGFR). Identifiers: MedGen CN130014.

Submission:

Labcorp Genetics (formerly Invitae), Labcorp
Classification: Uncertain significance for EGFR-related lung cancer. Last evaluated: 2024-05-29. Review status: criteria provided, single submitter. Criteria: Invitae Variant Classification Sherloc (09022015). Collection method: clinical testing. Allele origin: germline.
Comment: This sequence change replaces leucine, which is neutral and non-polar, with proline, which is neutral and non-polar, at codon 387 of the EGFR protein (p.Leu387Pro). This variant is not present in population databases (gnomAD no frequency). This variant has not been reported in the literature in individuals affected with EGFR-related conditions. Advanced modeling of protein sequence and biophysical properties (such as structural, functional, and spatial information, amino acid conservation, physicochemical variation, residue mobility, and thermodynamic stability) performed at Invitae indicates that this missense variant is not expected to disrupt EGFR protein function with a negative predictive value of 80%. In summary, the available evidence is currently insufficient to determine the role of this variant in disease. Therefore, it has been classified as a Variant of Uncertain Significance.

NM_005228.5(EGFR):c.1160T>C (p.Leu387Pro)

Genes: EGFR (epidermal growth factor receptor; plus strand), LOC126860048 (P300/CBP strongly-dependent group 1 enhancer GRCh37_chr7:55223847-55225046; plus strand). Cytogenetic location: 7p11.2.
Variant type: single nucleotide variant.
Coding change: c.1160T>C on transcript NM_005228.5 (MANE Select); coding-DNA position 1160, T replaced by C.
Protein change: p.Leu387Pro; replaces leucine 387 with proline.
Molecular consequence: missense variant.
Genome position (GRCh38, 1-based): chr7:55,156,785, T>C. VCF-style: chr7-55156785-T-C. GRCh37 (hg19) VCF-style: chr7-55224478-T-C.
Other names: c.1025T>C, p.Leu342Pro (NM_001346897.2, NM_001346899.2); c.1160T>C, p.Leu387Pro (NM_001346898.2, NM_201282.2, NM_201283.2 and 1 more transcripts); c.1001T>C, p.Leu334Pro (NM_001346900.2); c.359T>C, p.Leu120Pro (NM_001346941.2); short protein forms L120P, L334P, L342P, L387P.
Identifiers: ClinVar variation 3610434 (VCV003610434.2).